The following is an entry in ClinVar:

ClinVar aggregate classification (germline): Uncertain significance (1 of 4 stars; one submission).

Allele frequency attached by ClinVar (database versions not stated): gnomAD exomes below 0.00001.
gnomAD v4.1: 1 of 1,529,386 alleles (0.000065%); highest among the groups gnomAD compares: South Asian, 0.0012%; no homozygotes.

Submission:

Labcorp Genetics (formerly Invitae), Labcorp
Classification: Uncertain significance. Last evaluated: 2025-03-18. Review status: criteria provided, single submitter. Criteria: Invitae Variant Classification Sherloc (09022015). Collection method: clinical testing. Allele origin: germline.
Comment: This sequence change replaces aspartic acid, which is acidic and polar, with glycine, which is neutral and non-polar, at codon 29 of the SPINT2 protein (p.Asp29Gly). This variant is not present in population databases (gnomAD no frequency). This variant has not been reported in the literature in individuals affected with SPINT2-related conditions. ClinVar contains an entry for this variant (Variation ID: 2062668). Invitae Evidence Modeling of protein sequence and biophysical properties (such as structural, functional, and spatial information, amino acid conservation, physicochemical variation, residue mobility, and thermodynamic stability) indicates that this missense variant is not expected to disrupt SPINT2 protein function with a negative predictive value of 80%. In summary, the available evidence is currently insufficient to determine the role of this variant in disease. Therefore, it has been classified as a Variant of Uncertain Significance.

NM_021102.4(SPINT2):c.86A>G (p.Asp29Gly)

Gene: SPINT2 (serine peptidase inhibitor, Kunitz type 2; plus strand). Cytogenetic location: 19q13.2.
Variant type: single nucleotide variant.
Coding change: c.86A>G on transcript NM_021102.4 (MANE Select); coding-DNA position 86, A replaced by G.
Protein change: p.Asp29Gly; replaces aspartic acid 29 with glycine.
Molecular consequence: missense variant.
Genome position (GRCh38, 1-based): chr19:38,264,978, A>G. VCF-style: chr19-38264978-A-G. GRCh37 (hg19) VCF-style: chr19-38755618-A-G.
Other names: c.86A>G, p.Asp29Gly (NM_001166103.2); short protein forms D29G.
Identifiers: ClinVar variation 2062668 (VCV002062668.4), dbSNP rs2513574294, ClinGen allele CA405626761.